The following is an entry in ClinVar:

NM_004655.4(AXIN2):c.640G>A (p.Gly214Arg)

Gene: AXIN2 (axin 2; minus strand). Cytogenetic location: 17q24.1.
Variant type: single nucleotide variant.
Coding change: c.640G>A on transcript NM_004655.4 (MANE Select); coding-DNA position 640, G replaced by A.
Protein change: p.Gly214Arg; replaces glycine 214 with arginine.
Molecular consequence: missense variant.
Genome position (GRCh38, 1-based): chr17:65,557,981, C>T on the plus strand (G>A on the coding strand, the complement: AXIN2 is on the minus strand). VCF-style: chr17-65557981-C-T. GRCh37 (hg19) VCF-style: chr17-63554099-C-T.
Other names: c.640G>A (LRG_296t1); c.640G>A, p.Gly214Arg (NM_001363813.1); short protein forms G214R.
Identifiers: ClinVar variation 665909 (VCV000665909.10), dbSNP rs1598119243, ClinGen allele CA400680588.

ClinVar aggregate classification (germline): Uncertain significance. Review status: criteria provided, multiple submitters, no conflicts (2 of 4 stars). 2 submissions from 2 submitters: Uncertain significance (2). Last evaluated 2022-11-25.

Conditions:
Oligodontia-cancer predisposition syndrome. Also called: TOOTH AGENESIS-COLORECTAL CANCER SYNDROME. Identifiers: Orphanet 300576, MedGen C1837750, MONDO:0012075, OMIM 608615. Disease mechanism: loss of function.
Hereditary cancer-predisposing syndrome. Also called: Tumor predisposition; Hereditary neoplastic syndrome; Neoplastic Syndromes, Hereditary; Hereditary Cancer Syndrome. Identifiers: Orphanet 140162, MedGen C0027672, MeSH D009386, MONDO:0015356.

Submissions (2):

Ambry Genetics
Classification: Uncertain significance for Hereditary cancer-predisposing syndrome. Last evaluated: 2022-11-25. Review status: criteria provided, single submitter. Criteria: Ambry Variant Classification Scheme 2023. Collection method: clinical testing. Allele origin: germline.
Comment: The p.G214R variant (also known as c.640G>A), located in coding exon 1 of the AXIN2 gene, results from a G to A substitution at nucleotide position 640. The glycine at codon 214 is replaced by arginine, an amino acid with dissimilar properties. This amino acid position is conserved. In addition, this alteration is predicted to be deleterious by in silico analysis. Since supporting evidence is limited at this time, the clinical significance of this alteration remains unclear.

Labcorp Genetics (formerly Invitae), Labcorp
Classification: Uncertain significance for Oligodontia-cancer predisposition syndrome. Last evaluated: 2018-09-03. Review status: criteria provided, single submitter. Criteria: Invitae Variant Classification Sherloc (09022015). Collection method: clinical testing. Allele origin: germline.
Comment: This variant has not been reported in the literature in individuals with AXIN2-related disease. This sequence change replaces glycine with arginine at codon 214 of the AXIN2 protein (p.Gly214Arg). The glycine residue is highly conserved and there is a moderate physicochemical difference between glycine and arginine. This variant is not present in population databases (ExAC no frequency). Algorithms developed to predict the effect of missense changes on protein structure and function are either unavailable or do not agree on the potential impact of this missense change (SIFT: "Deleterious"; PolyPhen-2: "Probably Damaging"; Align-GVGD: "Class C0"). In summary, the available evidence is currently insufficient to determine the role of this variant in disease. Therefore, it has been classified as a Variant of Uncertain Significance.